The following is an entry in ClinVar:

NM_001130823.3(DNMT1):c.150C>T (p.His50=)

Gene: DNMT1 (DNA methyltransferase 1; minus strand). Cytogenetic location: 19p13.2.
Variant type: single nucleotide variant.
Coding change: c.150C>T on transcript NM_001130823.3 (MANE Select); coding-DNA position 150, C replaced by T.
Protein change: p.His50=; no amino-acid change (histidine 50 retained).
Molecular consequence: synonymous variant. On other transcripts: 5 prime UTR variant (1).
Genome position (GRCh38, 1-based): chr19:10,180,853, G>A on the plus strand (C>T on the coding strand, the complement: DNMT1 is on the minus strand). VCF-style: chr19-10180853-G-A. GRCh37 (hg19) VCF-style: chr19-10291529-G-A.
Other names: p.His50=; c.150C>T (LRG_362t1); c.150C>T, p.His50= (NM_001318730.2, NM_001379.4); c.-174C>T (NM_001318731.2).
Identifiers: ClinVar variation 196315 (VCV000196315.90), dbSNP rs146112081, ClinGen allele CA243220.
Genomic context (GRCh38, chr19:10,180,853, plus strand): 5'-TTTACGTAATTTGGTTTCCAAGTCACATAACTGATTCTTTATTTCTGTTTGCAGAAATTC[G>A]TGCAAGAGATTCAATTTCTCCTTCACACATTCCTAAGGGAAGGATATAGGTTTAGCAGTA-3'
Protein context (NP_001124295.1, residues 40-60): ECVKEKLNLL[His50=]EFLQTEIKNQ

ClinVar aggregate classification (germline): Conflicting classifications of pathogenicity. Review status: criteria provided, conflicting classifications (1 of 4 stars). 12 submissions from 12 submitters: Uncertain significance (1); Benign (3); Likely benign (5). 3 of the submissions do not count toward it. Last evaluated 2026-10-01.

Conditions:
Hereditary sensory neuropathy-deafness-dementia syndrome. Also called: NEUROPATHY, HEREDITARY SENSORY, WITH HEARING LOSS AND DEMENTIA; Hereditary Sensory and Autonomic Neuropathy Type 1E (HSAN1E); Hereditary sensory neuropathy type IE; HSN IE. Identifiers: Orphanet 456318, MedGen C3279885, MONDO:0013584, OMIM 614116.

Allele frequency attached by ClinVar (database versions not stated): 1000 Genomes Project 0.00080; 1000 Genomes Project 30x 0.00109; ExAC 0.00133; gnomAD exomes 0.00136; TOPMed 0.00167; gnomAD 0.00177 and 0.00182; ESP Exome Variant Server 0.00215.
gnomAD v4.1: 3,185 of 1,614,042 alleles (0.2%); highest among the groups gnomAD compares: Non-Finnish European, 0.25%; 6 homozygotes.

Submissions (12):

CeGaT Center for Human Genetics Tuebingen
Classification: Likely benign. Last evaluated: 2026-10-01. Review status: criteria provided, single submitter. Criteria: CeGaT Center For Human Genetics Tuebingen Variant Classification Criteria Version 2. Collection method: clinical testing. Allele origin: germline. Affected: yes. Observed: 12 variant alleles.
Comment: DNMT1: BP4, BP7

Labcorp Genetics (formerly Invitae), Labcorp
Classification: Benign for Hereditary sensory neuropathy-deafness-dementia syndrome. Last evaluated: 2026-01-25. Review status: criteria provided, single submitter. Criteria: Invitae Variant Classification Sherloc (09022015). Collection method: clinical testing. Allele origin: germline.

Mayo Clinic Laboratories, Mayo Clinic
Classification: Likely benign. Last evaluated: 2025-10-22. Review status: criteria provided, single submitter. Criteria: ACMG Guidelines, 2015. Collection method: clinical testing. Allele origin: germline. Observed: 5 variant alleles.
Comment: BS1, BP4, BP7

ARUP Laboratories, Molecular Genetics and Genomics, ARUP Laboratories
Classification: Likely benign. Last evaluated: 2025-05-21. Review status: criteria provided, single submitter. Criteria: ARUP Molecular Germline Variant Investigation Process 2024. Collection method: clinical testing. Allele origin: germline.

Blueprint Genetics
Classification: Likely benign. Last evaluated: 2024-11-25. Review status: criteria provided, single submitter. Criteria: ACMG Guidelines, 2015. Collection method: clinical testing. Allele origin: germline.

Illumina Laboratory Services, Illumina
Classification: Benign for Hereditary sensory neuropathy-deafness-dementia syndrome. Last evaluated: 2018-01-13. Review status: criteria provided, single submitter. Criteria: ICSL Variant Classification Criteria 13 December 2019. Collection method: clinical testing. Allele origin: germline.
Comment: This variant was observed in the ICSL laboratory as part of a predisposition screen in an ostensibly healthy population. It had not been previously curated by ICSL or reported in the Human Gene Mutation Database (HGMD: prior to June 1st, 2018), and was therefore a candidate for classification through an automated scoring system. Utilizing variant allele frequency, disease prevalence and penetrance estimates, and inheritance mode, an automated score was calculated to assess if this variant is too frequent to cause the disease. Based on the score and internal cut-off values, a variant classified as benign is not then subjected to further curation. The score for this variant resulted in a classification of benign for this disease.

GeneDx
Classification: Benign. Last evaluated: 2015-09-28. Review status: criteria provided, single submitter. Criteria: GeneDx Variant Classification (06012015). Collection method: clinical testing. Allele origin: germline. Affected: yes.
Comment: This variant is considered likely benign or benign based on one or more of the following criteria: it is a conservative change, it occurs at a poorly conserved position in the protein, it is predicted to be benign by multiple in silico algorithms, and/or has population frequency not consistent with disease.

Eurofins Ntd Llc (ga)
Classification: Uncertain significance. Last evaluated: 2014-12-16. Review status: criteria provided, single submitter. Criteria: EGL Classification Definitions 2015. Collection method: clinical testing. Allele origin: germline. Observed: 1 variant allele, 1 heterozygote.

PreventionGenetics, part of Exact Sciences
Classification: Likely benign. Review status: criteria provided, single submitter. Criteria: ACMG Guidelines, 2015. Collection method: clinical testing. Allele origin: germline.

Clinical Genetics DNA and cytogenetics Diagnostics Lab, Erasmus MC, Erasmus Medical Center
Classification: Likely benign. Review status: no assertion criteria provided. Collection method: clinical testing. Allele origin: germline. Affected: yes. Study: VKGL Data-share Consensus. Not counted in ClinVar's aggregate classification.

Clinical Genetics, Academic Medical Center
Classification: Likely benign. Review status: no assertion criteria provided. Collection method: clinical testing. Allele origin: germline. Affected: yes. Study: VKGL Data-share Consensus. Not counted in ClinVar's aggregate classification.

Genome Diagnostics Laboratory, University Medical Center Utrecht
Classification: Likely benign. Review status: no assertion criteria provided. Collection method: clinical testing. Allele origin: germline. Affected: yes. Study: VKGL Data-share Consensus. Not counted in ClinVar's aggregate classification.